The following is an entry in ClinVar:

ClinVar aggregate classification (germline): Conflicting classifications of pathogenicity. Review status: criteria provided, conflicting classifications (1 of 4 stars). 5 submissions from 1 submitter: Uncertain significance (1); Benign (4). Last evaluated 2018-01-12.

Conditions:
Congenital myasthenic syndrome 16. Identifiers: Orphanet 590, MedGen C3280112, MONDO:0013620, OMIM 614198.
Potassium-aggravated myotonia. Also called: Myotonia congenita, atypical, acetazolamide-responsive; MYOTONIA CONGENITA, ACETAZOLAMIDE-RESPONSIVE; MYOTONIA CONGENITA, ATYPICAL; SODIUM CHANNEL MUSCLE DISEASE. Identifiers: Orphanet 612, Orphanet 99734, Orphanet 99735, Orphanet 99736, MedGen C2931826, MONDO:0018959, OMIM 608390.
Hypokalemic periodic paralysis, type 2 (HOKPP2). Identifiers: Orphanet 681, MedGen C2750061, MONDO:0013234, OMIM 613345.
Paramyotonia congenita of Von Eulenburg. Also called: Paramyotonia Congenita; PARALYSIS PERIODICA PARAMYOTONICA; Eulenburg disease; Myotonia congenita intermittens; Von Eulenburg paramyotonia congenita. Identifiers: Orphanet 684, MedGen C0221055, MONDO:0008195, OMIM 168300. Disease mechanism: loss of function.
Hyperkalemic periodic paralysis. Also called: Familial hyperkalemic periodic paralysis; Gamstorp disease. Identifiers: Orphanet 682, MedGen C0238357, MONDO:0008224, OMIM 170500, HP:0007215.

Allele frequency attached by ClinVar (database versions not stated): gnomAD 0.00004 and 0.00005; TOPMed 0.00005; 1000 Genomes Project 0.00040; gnomAD exomes 0.00003.
gnomAD v4.1: 51 of 1,463,808 alleles (0.0035%); highest among the groups gnomAD compares: East Asian, 0.1%; no homozygotes.

Submissions (5):

Illumina Laboratory Services, Illumina
Classification: Benign for Potassium-aggravated myotonia. Last evaluated: 2018-01-12. Review status: criteria provided, single submitter. Criteria: ICSL Variant Classification Criteria 13 December 2019. Collection method: clinical testing. Allele origin: germline.
Comment: This variant was observed in the ICSL laboratory as part of a predisposition screen in an ostensibly healthy population. It had not been previously curated by ICSL or reported in the Human Gene Mutation Database (HGMD: prior to June 1st, 2018), and was therefore a candidate for classification through an automated scoring system. Utilizing variant allele frequency, disease prevalence and penetrance estimates, and inheritance mode, an automated score was calculated to assess if this variant is too frequent to cause the disease. Based on the score and internal cut-off values, a variant classified as benign is not then subjected to further curation. The score for this variant resulted in a classification of benign for this disease.

Illumina Laboratory Services, Illumina
Classification: Benign for Hypokalemic periodic paralysis, type 2. Last evaluated: 2018-01-12. Review status: criteria provided, single submitter. Criteria: ICSL Variant Classification Criteria 13 December 2019. Collection method: clinical testing. Allele origin: germline.
Comment: the same text as in the submission from Illumina Laboratory Services, Illumina above.

Illumina Laboratory Services, Illumina
Classification: Benign for Paramyotonia congenita of Von Eulenburg. Last evaluated: 2018-01-12. Review status: criteria provided, single submitter. Criteria: ICSL Variant Classification Criteria 13 December 2019. Collection method: clinical testing. Allele origin: germline.
Comment: the same text as in the submission from Illumina Laboratory Services, Illumina above.

Illumina Laboratory Services, Illumina
Classification: Benign for Hyperkalemic periodic paralysis. Last evaluated: 2018-01-12. Review status: criteria provided, single submitter. Criteria: ICSL Variant Classification Criteria 13 December 2019. Collection method: clinical testing. Allele origin: germline.
Comment: the same text as in the submission from Illumina Laboratory Services, Illumina above.

Illumina Laboratory Services, Illumina
Classification: Uncertain significance for Congenital myasthenic syndrome 16. Last evaluated: 2018-01-12. Review status: criteria provided, single submitter. Criteria: ICSL Variant Classification Criteria 13 December 2019. Collection method: clinical testing. Allele origin: germline.

NM_000334.4(SCN4A):c.-74G>A

Gene: SCN4A (sodium voltage-gated channel alpha subunit 4; minus strand). Cytogenetic location: 17q23.3.
Variant type: single nucleotide variant.
Coding change: c.-74G>A on transcript NM_000334.4 (MANE Select); 74 bases upstream of the start codon, G replaced by A.
Molecular consequence: 5 prime UTR variant.
Genome position (GRCh38, 1-based): chr17:63,972,915, C>T on the plus strand (G>A on the coding strand, the complement: SCN4A is on the minus strand). VCF-style: chr17-63972915-C-T. GRCh37 (hg19) VCF-style: chr17-62050275-C-T.
Identifiers: ClinVar variation 324558 (VCV000324558.5), dbSNP rs546675124, ClinGen allele CA10646463.